The following is an entry in ClinVar:

NM_052876.4(NACC1):c.115C>G (p.His39Asp)

Gene: NACC1 (nucleus accumbens associated 1; plus strand). Cytogenetic location: 19p13.13.
Variant type: single nucleotide variant.
Coding change: c.115C>G on transcript NM_052876.4 (MANE Select); coding-DNA position 115, C replaced by G.
Protein change: p.His39Asp; replaces histidine 39 with aspartic acid.
Molecular consequence: missense variant.
Genome position (GRCh38, 1-based): chr19:13,135,322, C>G. VCF-style: chr19-13135322-C-G. GRCh37 (hg19) VCF-style: chr19-13246136-C-G.
Other names: short protein forms H39D.
Identifiers: ClinVar variation 5008401 (VCV005008401.1).
Genomic context (GRCh38, chr19:13,135,322, plus strand): 5'-TGCCTCAATGAACAGCGGCTGCAGGGCCTGTACTGTGACGTGTCAGTGGTGGTCAAGGGC[C>G]ATGCCTTCAAGGCCCACCGGGCCGTGCTTGCTGCCAGCAGCTCCTACTTCCGGGACCTGT-3'
Protein context (NP_443108.1, residues 29-49): YCDVSVVVKG[His39Asp]AFKAHRAVLA

ClinVar aggregate classification (germline): Uncertain significance (1 of 4 stars; one submission).

Submission:

GeneDx
Classification: Uncertain significance. Last evaluated: 2026-03-10. Review status: criteria provided, single submitter. Criteria: GeneDx Variant Classification Process June 2021. Collection method: clinical testing. Allele origin: germline.
Comment: Not observed at significant frequency in large population cohorts (gnomAD); In silico analysis supports that this missense variant has a deleterious effect on protein structure/function; Has not been previously published as pathogenic or benign to our knowledge